The following is an entry in ClinVar:

NM_002156.5(HSPD1):c.1186A>G (p.Lys396Glu)

Gene: HSPD1 (heat shock protein family D (Hsp60) member 1; minus strand). Cytogenetic location: 2q33.1.
Variant type: single nucleotide variant.
Coding change: c.1186A>G on transcript NM_002156.5 (MANE Select); coding-DNA position 1186, A replaced by G.
Protein change: p.Lys396Glu; replaces lysine 396 with glutamic acid.
Molecular consequence: missense variant.
Genome position (GRCh38, 1-based): chr2:197,489,031, T>C on the plus strand (A>G on the coding strand, the complement: HSPD1 is on the minus strand). VCF-style: chr2-197489031-T-C. GRCh37 (hg19) VCF-style: chr2-198353755-T-C.
Other names: c.1186A>G, p.Lys396Glu (NM_199440.2); short protein forms K396E.
Identifiers: ClinVar variation 1721295 (VCV001721295.5), dbSNP rs2470108303, ClinGen allele CA350199275.

ClinVar aggregate classification (germline): Uncertain significance (1 of 4 stars; one submission).

Conditions:
Spastic paraplegia. Identifiers: MedGen C0037772, HP:0001258.

Allele frequency attached by ClinVar (database versions not stated): gnomAD exomes below 0.00001.
gnomAD v4.1: 1 of 1,613,994 alleles (0.000062%); highest among the groups gnomAD compares: African/African-American, 0.0013%; no homozygotes.

Submission:

Labcorp Genetics (formerly Invitae), Labcorp
Classification: Uncertain significance for Spastic paraplegia. Last evaluated: 2022-10-10. Review status: criteria provided, single submitter. Criteria: Invitae Variant Classification Sherloc (09022015). Collection method: clinical testing. Allele origin: germline.
Comment: This sequence change replaces lysine, which is basic and polar, with glutamic acid, which is acidic and polar, at codon 396 of the HSPD1 protein (p.Lys396Glu). This variant is not present in population databases (gnomAD no frequency). In summary, the available evidence is currently insufficient to determine the role of this variant in disease. Therefore, it has been classified as a Variant of Uncertain Significance. Advanced modeling of protein sequence and biophysical properties (such as structural, functional, and spatial information, amino acid conservation, physicochemical variation, residue mobility, and thermodynamic stability) performed at Invitae indicates that this missense variant is expected to disrupt HSPD1 protein function. This variant has not been reported in the literature in individuals affected with HSPD1-related conditions.